The following is an entry in ClinVar:

ClinVar aggregate classification (germline): Uncertain significance. Review status: criteria provided, multiple submitters, no conflicts (2 of 4 stars). 2 submissions from 2 submitters: Uncertain significance (2). Last evaluated 2024-06-17.

Conditions:
Marfan syndrome (MFS). Also called: FBN1-Related Marfan Syndrome; MARFAN SYNDROME, TYPE I; Marfan syndrome type 1; Marfan's syndrome; Marfan syndrome, classic. Identifiers: Orphanet 284963, Orphanet 558, MedGen C0024796, MONDO:0007947, OMIM 154700.
Familial thoracic aortic aneurysm and aortic dissection (TAAD). Also called: Thoracic aortic aneurysms and dissections. Identifiers: Orphanet 91387, MedGen C4707243, MONDO:0019625.

Submissions (2):

All of Us Research Program, National Institutes of Health
Classification: Uncertain significance for Marfan syndrome. Last evaluated: 2024-06-17. Review status: criteria provided, single submitter. Criteria: ACMG Guidelines, 2015. Collection method: clinical testing. Allele origin: germline. Inheritance: Autosomal dominant inheritance. Observed: 2 variant alleles, 2 heterozygotes.
Comment: This missense variant replaces tyrosine with cysteine at codon 2338 of the FBN1 protein. Computational prediction is inconclusive regarding the impact of this variant on protein structure and function (internally defined REVEL score threshold 0.5 < inconclusive < 0.7, PMID: 27666373). To our knowledge, functional studies have not been reported for this variant. This variant has not been reported in individuals affected with FBN1-related disorders in the literature. This variant has not been identified in the general population by the Genome Aggregation Database (gnomAD). The available evidence is insufficient to determine the role of this variant in disease conclusively. Therefore, this variant is classified as a Variant of Uncertain Significance.

This study involves interpretation of variants in research participants for the purpose of population health screening. Participant phenotype was not available at the time of variant classification. Additional details can be found in publication PMID: 35346344, PMCID: PMC8962531

Labcorp Genetics (formerly Invitae), Labcorp
Classification: Uncertain significance for Marfan syndrome; Familial thoracic aortic aneurysm and aortic dissection. Last evaluated: 2021-02-22. Review status: criteria provided, single submitter. Criteria: Invitae Variant Classification Sherloc (09022015). Collection method: clinical testing. Allele origin: germline.
Comment: In summary, the available evidence is currently insufficient to determine the role of this variant in disease. Therefore, it has been classified as a Variant of Uncertain Significance. Algorithms developed to predict the effect of missense changes on protein structure and function are either unavailable or do not agree on the potential impact of this missense change (SIFT: "Deleterious"; PolyPhen-2: "Possibly Damaging"; Align-GVGD: "Class C0"). This variant has not been reported in the literature in individuals with FBN1-related conditions. This variant is not present in population databases (ExAC no frequency). This sequence change replaces tyrosine with cysteine at codon 2338 of the FBN1 protein (p.Tyr2338Cys). The tyrosine residue is moderately conserved and there is a large physicochemical difference between tyrosine and cysteine.

NM_000138.5(FBN1):c.7013A>G (p.Tyr2338Cys)

Gene: FBN1 (fibrillin 1; minus strand). Cytogenetic location: 15q21.1.
Variant type: single nucleotide variant.
Coding change: c.7013A>G on transcript NM_000138.5 (MANE Select); coding-DNA position 7013, A replaced by G.
Protein change: p.Tyr2338Cys; replaces tyrosine 2338 with cysteine.
Molecular consequence: missense variant.
Genome position (GRCh38, 1-based): chr15:48,427,758, T>C on the plus strand (A>G on the coding strand, the complement: FBN1 is on the minus strand). VCF-style: chr15-48427758-T-C. GRCh37 (hg19) VCF-style: chr15-48719955-T-C.
Other names: short protein forms Y2338C.
Identifiers: ClinVar variation 1063964 (VCV001063964.11), dbSNP rs2141229151, ClinGen allele CA392330340.
Genomic context (GRCh38, chr15:48,427,758, plus strand): 5'-ACGGGGTTCCTGTTGCTGGAGCCGATCTGACACATGTTTTGTAGCACCTCTGTGAAGCAG[T>C]ACCCTTCCCGATTGTCTGGAAGGGACATTATATGGCAAAGGGGATGTCAGGAAATTTTAA-3'
Protein context (NP_000129.3, residues 2328-2348): QDECLDNREG[Tyr2338Cys]CFTEVLQNMC